The following is an entry in ClinVar:

NM_024675.4(PALB2):c.948del (p.Thr317fs)

Gene: PALB2 (partner and localizer of BRCA2; minus strand). Cytogenetic location: 16p12.2.
Variant type: Deletion.
Coding change: c.948del on transcript NM_024675.4 (MANE Select); coding-DNA position 948, one base deleted (C; older notation c.948delC).
Protein change: p.Thr317fs; shifts the reading frame from threonine 317.
Molecular consequence: frameshift variant.
Genome position (GRCh38, 1-based): chr16:23,635,598, G deleted on the plus strand (C on the coding strand, the reverse complement: PALB2 is on the minus strand); the first of 3 consecutive G bases (chr16:23,635,598-23,635,600); deleting any one gives the same sequence. VCF-style (leftmost placement, unchanged base first): chr16-23635597-TG-T. GRCh37 (hg19) VCF-style: chr16-23646918-TG-T.
Other names: c.948delC (NM_024675.3); short protein forms T317fs.
Identifiers: ClinVar variation 182744 (VCV000182744.26), dbSNP rs730881871, ClinGen allele CA299666.

ClinVar aggregate classification (germline): Pathogenic. Review status: criteria provided, multiple submitters, no conflicts (2 of 4 stars). 6 submissions from 6 submitters: Pathogenic (6). Last evaluated 2026-01-13.

Conditions:
Hereditary cancer-predisposing syndrome. Also called: Tumor predisposition; Hereditary Cancer Syndrome; Hereditary neoplastic syndrome; Neoplastic Syndromes, Hereditary. Identifiers: Orphanet 140162, MedGen C0027672, MeSH D009386, MONDO:0015356.
Familial cancer of breast. Also called: BREAST CANCER, FAMILIAL; Hereditary breast cancer; hereditary breast carcinoma. Identifiers: Orphanet 227535, MedGen C0346153, MONDO:0016419, OMIM 114480. Disease mechanism: loss of function.

Submissions (6):

Labcorp Genetics (formerly Invitae), Labcorp
Classification: Pathogenic for Familial cancer of breast. Last evaluated: 2026-01-13. Review status: criteria provided, single submitter. Criteria: Invitae Variant Classification Sherloc (09022015). Collection method: clinical testing. Allele origin: germline.
Comment: This sequence change creates a premature translational stop signal (p.Thr317Glnfs*5) in the PALB2 gene. It is expected to result in an absent or disrupted protein product. Loss-of-function variants in PALB2 are known to be pathogenic (PMID: 17200668, 17200671, 17200672, 24136930, 25099575). This variant is not present in population databases (gnomAD no frequency). This premature translational stop signal has been observed in individual(s) with breast cancer (PMID: 26681312). ClinVar contains an entry for this variant (Variation ID: 182744). For these reasons, this variant has been classified as Pathogenic.

Quest Diagnostics Nichols Institute San Juan Capistrano
Classification: Pathogenic. Last evaluated: 2024-12-02. Review status: criteria provided, single submitter. Criteria: Quest Diagnostics criteria. Collection method: clinical testing. Allele origin: unknown.
Comment: The PALB2 c.948del (p.Thr317Glnfs*5) variant alters the translational reading frame of the PALB2 mRNA and causes the premature termination of PALB2 protein synthesis. This variant has been reported in the published literature in individuals with breast cancer (PMID: 26681312 (2015)) and pancreatic cancer (PMID: 29922827 (2018)). This variant has not been reported in large, multi-ethnic general populations (Genome Aggregation Database). Based on the available information, this variant is classified as pathogenic.

GeneDx
Classification: Pathogenic. Last evaluated: 2024-01-08. Review status: criteria provided, single submitter. Criteria: GeneDx Variant Classification Process June 2021. Collection method: clinical testing. Allele origin: germline. Affected: yes.
Comment: Frameshift variant predicted to result in protein truncation or nonsense mediated decay in a gene for which loss of function is a known mechanism of disease; Not observed at significant frequency in large population cohorts (gnomAD); Truncating variants in this gene are considered pathogenic by a well-established clinical consortium and/or database; This variant is associated with the following publications: (PMID: 26681312, 29922827)

Myriad Genetics, Inc.
Classification: Pathogenic for Familial cancer of breast. Last evaluated: 2023-09-07. Review status: criteria provided, single submitter. Criteria: Myriad Autosomal Dominant, Autosomal Recessive and X-Linked Classification Criteria (2023). Collection method: clinical testing. Allele origin: unknown.
Comment: This variant is considered pathogenic. This variant creates a frameshift predicted to result in premature protein truncation.

Ambry Genetics
Classification: Pathogenic for Hereditary cancer-predisposing syndrome. Last evaluated: 2023-06-05. Review status: criteria provided, single submitter. Criteria: Ambry Variant Classification Scheme 2023. Collection method: clinical testing. Allele origin: germline.
Comment: The c.948delC pathogenic mutation, located in coding exon 4 of the PALB2 gene, results from a deletion of one nucleotide at nucleotide position 948, causing a translational frameshift with a predicted alternate stop codon (p.T317Qfs*5). This variant was not reported in population-based cohorts in the Genome Aggregation Database (gnomAD). This alteration was identified in 1/10030 consecutive patients referred for evaluation by an NGS hereditary cancer panel. (Susswein LR et al. Genet. Med. 2016 08;18:823-32). Additionally, a study detected this mutation in 1/3030 pancreatic cancer cases and 0/123136 population controls (Hu C et al. JAMA. 2018 06;319:2401-2409). In addition to the clinical data presented in the literature, this alteration is expected to result in loss of function by premature protein truncation or nonsense-mediated mRNA decay. As such, this alteration is interpreted as a disease-causing mutation.

Color Diagnostics, LLC DBA Color Health
Classification: Pathogenic for Hereditary cancer-predisposing syndrome. Last evaluated: 2023-02-28. Review status: criteria provided, single submitter. Criteria: ACMG Guidelines, 2015. Collection method: clinical testing. Allele origin: germline.
Comment: This variant deletes 1 nucleotide in exon 4 of the PALB2 gene, creating a frameshift and premature translation stop signal. This variant is expected to result in an absent or non-functional protein product. This variant has been reported in one individual each affected with breast cancer and pancreatic cancer (PMID: 26681312, 29922827). This variant has not been identified in the general population by the Genome Aggregation Database (gnomAD). Loss of PALB2 function is a known mechanism of disease. Based on the available evidence, this variant is classified as Pathogenic.

Literature cited by the submitters: PubMed 17200668 (cited by Labcorp Genetics (formerly Invitae), Labcorp); PubMed 17200671 (cited by Labcorp Genetics (formerly Invitae), Labcorp); PubMed 17200672 (cited by Labcorp Genetics (formerly Invitae), Labcorp); PubMed 24136930 (cited by Labcorp Genetics (formerly Invitae), Labcorp); PubMed 25099575 (cited by Labcorp Genetics (formerly Invitae), Labcorp); PubMed 26681312 (cited by 4 submitters); PubMed 29922827 (cited by 3 submitters).